The following is an entry in ClinVar:

NM_000059.4(BRCA2):c.316+5G>A

Gene: BRCA2 (BRCA2 DNA repair associated; plus strand). Cytogenetic location: 13q13.1.
Variant type: single nucleotide variant.
Coding change: c.316+5G>A on transcript NM_000059.4 (MANE Select); 5 bases into the intron after coding-DNA position 316, G replaced by A.
Molecular consequence: intron variant.
Genome position (GRCh38, 1-based): chr13:32,319,330, G>A. VCF-style: chr13-32319330-G-A. GRCh37 (hg19) VCF-style: chr13-32893467-G-A.
Other names: IVS3+5G>A.
Identifiers: ClinVar variation 51409 (VCV000051409.34), dbSNP rs81002840, ClinGen allele CA017381.
Genomic context (GRCh38, chr13:32,319,330, plus strand): 5'-TCTGCCGCTGTACCAATCTCCTGTAAAAGAATTAGATAAATTCAAATTAGACTTAGGTAA[G>A]TAATGCAATATGGTAGACTGGGGAGAACTACAAACTAGGAATTTAGGCAAACCTGTGTTA-3'

ClinVar aggregate classification (germline): Pathogenic. Review status: reviewed by expert panel (3 of 4 stars). 20 submissions from 19 submitters: Pathogenic (1). 19 of the submissions do not count toward it. Last evaluated 2018-04-01.

Conditions:
Pancreatic cancer, susceptibility to, 2. Identifiers: Orphanet 1333, MedGen C3150546, MONDO:0013235, OMIM 613347.
Glioma susceptibility 3 (GLM3). Also called: Glioblastoma 3. Identifiers: Orphanet 182067, Orphanet 360, MedGen C2751641, MONDO:0013093, OMIM 613029.
Familial prostate cancer. Also called: Hereditary Prostate Cancer. Identifiers: MedGen C2931456, MONDO:0700275, OMIM 176807.
Breast-ovarian cancer, familial, susceptibility to, 2 (BROVCA2). Also called: BRCA2 Hereditary Breast and Ovarian Cancer. Identifiers: Orphanet 145, MedGen C2675520, MONDO:0012933, OMIM 612555. Disease mechanism: loss of function.
Fanconi anemia complementation group D1. Also called: BRCA2-Related Fanconi Anemia. Identifiers: Orphanet 319462, MedGen C1838457, MONDO:0011584, OMIM 605724.
Medulloblastoma (MDB). Also called: Medulloblastoma, somatic; MEDULLOBLASTOMA PREDISPOSITION SYNDROME. Identifiers: Orphanet 616, MedGen C0025149, MeSH D008527, MONDO:0007959, OMIM 155255, HP:0002885.
Wilms tumor 1 (WT1). Also called: Wilms tumor, somatic. Identifiers: Orphanet 654, MedGen CN033288, MONDO:0008679, OMIM 194070.
Familial cancer of breast. Also called: BREAST CANCER, FAMILIAL; hereditary breast carcinoma; Hereditary breast cancer. Identifiers: Orphanet 227535, MedGen C0346153, MONDO:0016419, OMIM 114480. Disease mechanism: loss of function.
Breast and/or ovarian cancer. Identifiers: MedGen CN221562.
Hereditary cancer-predisposing syndrome. Also called: Neoplastic Syndromes, Hereditary; Tumor predisposition; Hereditary Cancer Syndrome; Hereditary neoplastic syndrome. Identifiers: Orphanet 140162, MedGen C0027672, MeSH D009386, MONDO:0015356.
Hereditary breast ovarian cancer syndrome. Also called: Breast and ovarian cancer; Hereditary breast and ovarian cancer; Hereditary breast and ovarian cancer syndrome (HBOC); Hereditary breast and ovarian cancer syndrome; BRCA1- and BRCA2-Associated Hereditary Breast and Ovarian Cancer; Hereditary breast and/or ovarian cancer syndrome. Identifiers: Orphanet 145, MedGen C0677776, MeSH D061325, MONDO:0003582. Disease mechanism: loss of function.
Malignant tumor of urinary bladder. Also called: Urinary Bladder Neoplasms; Urinary bladder cancer; Bladder cancer. Identifiers: MedGen C0005684, MONDO:0001187, OMIM 109800.

Allele frequency attached by ClinVar (database versions not stated): gnomAD exomes below 0.00001.
gnomAD v4.1: 1 of 1,609,660 alleles (0.000062%); highest among the groups gnomAD compares: Non-Finnish European, 0.000085%; no homozygotes.

Submissions 1 to 8 of 20:

Evidence-based Network for the Interpretation of Germline Mutant Alleles (ENIGMA)
Classification: Pathogenic for Breast-ovarian cancer, familial, susceptibility to, 2. Last evaluated: 2018-04-01. Review status: reviewed by expert panel. Criteria: ENIGMA BRCA1/2 Classification Criteria (2017-06-29). Collection method: curation. Allele origin: germline.
Comment: Almost complete (94%) skipping of exon 3 (r.68_316del) in a minigene splicing assay. Molecular consequence is the same as other variants designated as pathogenic as determined by multifactorial likelihood analysis (PMID: 29707112). Specifically, pathogenic consequence of the in-frame transcript without exon 3 has been shown in another family with a deletion of this exon, by co-segregation analysis with LR >1300:1 in favour of pathogenicity (PMID: 29707112).

Ambry Genetics
Classification: Pathogenic for Hereditary cancer-predisposing syndrome. Last evaluated: 2026-01-22. Review status: criteria provided, single submitter. Criteria: Ambry Variant Classification Scheme 2023. Collection method: clinical testing. Allele origin: germline. Not counted in ClinVar's aggregate classification.
Comment: The c.316+5G>A intronic pathogenic mutation results from a G to A substitution 5 nucleotides after coding exon 2 in the BRCA2 gene. This mutation has been identified in kindreds with hereditary breast and ovarian cancer (Muller D et al. BMC Med. Genet. 2011; 12:121) as well as in one family with members diagnosed with various types of cancers, including early onset breast cancer, prostate cancer, abdominal cancer, and basal cell carcinoma (Thomassen M et al. Breast Cancer Res. Treat. 2012 Apr;132(3):1009-23). RNA analyses demonstrated that this alteration leads to a skipping of coding exon 2, a region with a high degree of evolutionary conservation and importance for protein function (Ambry internal data, Thomassen M et al. Breast Cancer Res.Treat. 2012 Apr; 132(3):1009-23; Thomassen M et al. Hum. Mutat. 2022 Dec;43(12):1921-1944). Of note, this alteration is also designated as IVS3+5G>A in published literature. This variant is considered to be rare based on population cohorts in the Genome Aggregation Database (gnomAD). Based on the supporting evidence, this alteration is interpreted as a disease-causing mutation.

Labcorp Genetics (formerly Invitae), Labcorp
Classification: Pathogenic for Hereditary breast ovarian cancer syndrome. Last evaluated: 2024-09-27. Review status: criteria provided, single submitter. Criteria: Invitae Variant Classification Sherloc (09022015). Collection method: clinical testing. Allele origin: germline. Not counted in ClinVar's aggregate classification.
Comment: This sequence change falls in intron 3 of the BRCA2 gene. It does not directly change the encoded amino acid sequence of the BRCA2 protein. RNA analysis indicates that this variant induces altered splicing and likely results in a shortened protein product. This variant is not present in population databases (gnomAD no frequency). This variant has been observed in individual(s) with breast and ovarian cancer (PMID: 21120943, 21769658, 26207792, 29470806). It has also been observed to segregate with disease in related individuals. ClinVar contains an entry for this variant (Variation ID: 51409). Variants that disrupt the consensus splice site are a relatively common cause of aberrant splicing (PMID: 17576681, 9536098). Studies have shown that this variant results in skipping of exon 3, but is expected to preserve the integrity of the reading-frame (PMID: 21769658, 29707112; internal data). This variant disrupts the c.316+5G nucleotide in the BRCA2 gene. Other variant(s) that disrupt this nucleotide have been determined to be pathogenic (PMID: 18424508, 21120943, 21939546, 22505045, 24549055, 29707112). This suggests that this nucleotide is clinically significant, and that variants that disrupt this position are likely to be disease-causing. For these reasons, this variant has been classified as Pathogenic.

Department of Clinical Genetics, Copenhagen University Hospital, Rigshospitalet
Classification: Pathogenic for Breast-ovarian cancer, familial, susceptibility to, 2. Last evaluated: 2024-05-27. Review status: criteria provided, single submitter. Criteria: ACMG Guidelines, 2015. Collection method: clinical testing. Allele origin: germline. Affected: yes. Not counted in ClinVar's aggregate classification.
Comment: PVS1 (RNA); PM2_Supporting; PP4_Very_strong

Color Diagnostics, LLC DBA Color Health
Classification: Pathogenic for Hereditary cancer-predisposing syndrome. Last evaluated: 2023-09-25. Review status: criteria provided, single submitter. Criteria: ACMG Guidelines, 2015. Collection method: clinical testing. Allele origin: germline. Not counted in ClinVar's aggregate classification.
Comment: This variant causes a G to A nucleotide substitution at the +5 position of intron 3 of the BRCA2 gene. RNA studies have shown that this variant causes in-frame skipping of exon 3, resulting in partial loss of the PALB2 binding site. This variant has not been identified in the general population by the Genome Aggregation Database (gnomAD). Loss of BRCA2 function is a known mechanism of disease. Based on the available evidence, this variant is classified as Pathogenic.

All of Us Research Program, National Institutes of Health
Classification: Pathogenic for Breast-ovarian cancer, familial, susceptibility to, 2. Last evaluated: 2023-07-09. Review status: criteria provided, single submitter. Criteria: ACMG Guidelines, 2015. Collection method: clinical testing. Allele origin: germline. Inheritance: Autosomal dominant inheritance. Observed: 1 variant allele, 1 heterozygote. Not counted in ClinVar's aggregate classification.
Comment: The c.316+5G>A variant in the BRCA2 gene is located at intron 3 and is predicted to result in abnormal splicing and disrupted protein product. The variant has been reported in individuals with breast and/or ovarian cancer (PMID: 29707112, 23192360, 26207792, 21769658). RNA analysis shows complete skipping of exon 3, which is deleterious to protein function (PMID: 21769658, 29707112, 35979650). The variant is reported in ClinVar as pathogenic (ID: 51409) and reviewed by the expert panel. The variant is absent in the general population database (gnomAD). Therefore, the c.316+5G>A variant of BRCA2 has been classified as pathogenic.

This study involves interpretation of variants in research participants for the purpose of population health screening. Participant phenotype was not available at the time of variant classification. Additional details can be found in publication PMID: 35346344, PMCID: PMC8962531

Mayo Clinic Laboratories, Mayo Clinic
Classification: Pathogenic. Last evaluated: 2023-02-21. Review status: criteria provided, single submitter. Criteria: ACMG Guidelines, 2015. Collection method: clinical testing. Allele origin: germline. Observed: 1 variant allele. Not counted in ClinVar's aggregate classification.
Comment: PP1, PP3, PP5, PM2, PS3, PVS1_strong

Sema4
Classification: Likely pathogenic for Hereditary cancer-predisposing syndrome. Last evaluated: 2021-09-03. Review status: criteria provided, single submitter. Criteria: Sema4 Curation Guidelines. Collection method: curation. Allele origin: germline. Not counted in ClinVar's aggregate classification.
Comment: The BRCA2 c.316+5G>A variant has been reported in heterozygosity in at least five individuals with breast cancer (PMID: 21769658, 29707112, 29470806, 31512090). Experimental studies have shown that this variant results in skipping of exon 3 (PMID: 21769658, 29707112). This variant is not reported in the Genome Aggregation Database (PMID: 32461654). This variant has been reported in ClinVar (Variation ID: 51409). Based on the current evidence available, this variant is interpreted as likely pathogenic.